The following is an entry in ClinVar:

ClinVar aggregate classification (germline): Likely benign. Review status: criteria provided, single submitter (1 of 4 stars). 2 submissions from 2 submitters: Likely benign (1). 1 of the submissions does not count toward it. Last evaluated 2024-06-01.

Conditions:
MITF-related disorder. Also called: MITF-related condition.

Allele frequency attached by ClinVar (database versions not stated): TOPMed 0.00005; gnomAD 0.00007; ExAC 0.00001; gnomAD exomes 0.00002.
gnomAD v4.1: 45 of 1,614,040 alleles (0.0028%); highest among the groups gnomAD compares: African/African-American, 0.012%; no homozygotes.

Submissions (2):

CeGaT Center for Human Genetics Tuebingen
Classification: Likely benign. Last evaluated: 2024-06-01. Review status: criteria provided, single submitter. Criteria: CeGaT Center For Human Genetics Tuebingen Variant Classification Criteria Version 2. Collection method: clinical testing. Allele origin: germline. Affected: yes. Observed: 1 variant allele.
Comment: MITF: BP4, BP7

PreventionGenetics, part of Exact Sciences
Classification: Likely benign for MITF-related condition. Last evaluated: 2023-04-07. Review status: no assertion criteria provided. Collection method: clinical testing. Allele origin: germline. Not counted in ClinVar's aggregate classification.
Comment: This variant is classified as likely benign based on ACMG/AMP sequence variant interpretation guidelines (Richards et al. 2015 PMID: 25741868, with internal and published modifications).

NM_001354604.2(MITF):c.273C>T (p.Pro91=)

Gene: MITF (melanocyte inducing transcription factor; plus strand). Cytogenetic location: 3p13.
Variant type: single nucleotide variant.
Coding change: c.273C>T on transcript NM_001354604.2 (MANE Select); coding-DNA position 273, C replaced by T.
Protein change: p.Pro91=; no amino-acid change (proline 91 retained).
Molecular consequence: synonymous variant.
Genome position (GRCh38, 1-based): chr3:69,879,302, C>T. VCF-style: chr3-69879302-C-T. GRCh37 (hg19) VCF-style: chr3-69928453-C-T.
Other names: c.117C>T, p.Pro39= (NM_001184967.2, NM_001354608.2); c.270C>T, p.Pro90= (NM_001354605.2, NM_001354606.2, NM_006722.3); c.222C>T, p.Pro74= (NM_001354607.2); c.273C>T, p.Pro91= (NM_198159.3); c.225C>T, p.Pro75= (NM_198177.3).
Identifiers: ClinVar variation 3032510 (VCV003032510.18), dbSNP rs749431926, ClinGen allele CA2490274.
Genomic context (GRCh38, chr3:69,879,302, plus strand): 5'-GGAGCGCAGGGAGCAGCAGCAGAAGCTGCAGGCGGCCCAGTTCATGCAACAGAGAGTGCC[C>T]GTGAGTCAGACACCAGCCATAAACGTCAGTGTGCCCACCACCCTTCCCTCTGCCACGCAG-3'
Protein context (NP_001341533.1, residues 81-101): QAAQFMQQRV[Pro91=]VSQTPAINVS